The following is an entry in ClinVar:

ClinVar aggregate classification (germline): Uncertain significance. Review status: criteria provided, multiple submitters, no conflicts (2 of 4 stars). 2 submissions from 2 submitters: Uncertain significance (2). Last evaluated 2024-09-10.

Conditions:
Inborn genetic diseases. Identifiers: MedGen C0950123, MeSH D030342.
Short-rib thoracic dysplasia 8 with or without polydactyly (SRTD8). Also called: SHORT-RIB THORACIC DYSPLASIA 8 WITH POLYDACTYLY. Identifiers: Orphanet 93271, MedGen C3809691, MONDO:0014214, OMIM 615503.

Allele frequency attached by ClinVar (database versions not stated): TOPMed 0.00001; gnomAD exomes 0.00002; gnomAD 0.00003.
gnomAD v4.1: 49 of 1,545,534 alleles (0.0032%); highest among the groups gnomAD compares: Admixed American, 0.012%; no homozygotes.

Submissions (2):

Ambry Genetics
Classification: Uncertain significance for Inborn genetic diseases. Last evaluated: 2024-09-10. Review status: criteria provided, single submitter. Criteria: Ambry Variant Classification Scheme 2023. Collection method: clinical testing. Allele origin: germline.

Labcorp Genetics (formerly Invitae), Labcorp
Classification: Uncertain significance for Short-rib thoracic dysplasia 8 with or without polydactyly. Last evaluated: 2022-08-30. Review status: criteria provided, single submitter. Criteria: Invitae Variant Classification Sherloc (09022015). Collection method: clinical testing. Allele origin: germline.
Comment: ClinVar contains an entry for this variant (Variation ID: 541522). This sequence change replaces arginine, which is basic and polar, with cysteine, which is neutral and slightly polar, at codon 149 of the WDR60 protein (p.Arg149Cys). In summary, the available evidence is currently insufficient to determine the role of this variant in disease. Therefore, it has been classified as a Variant of Uncertain Significance. Algorithms developed to predict the effect of missense changes on protein structure and function are either unavailable or do not agree on the potential impact of this missense change (SIFT: "Deleterious"; PolyPhen-2: "Probably Damaging"; Align-GVGD: "Class C0"). This variant has not been reported in the literature in individuals affected with WDR60-related conditions. The frequency data for this variant in the population databases is considered unreliable, as metrics indicate poor data quality at this position in the gnomAD database.

NM_018051.5(DYNC2I1):c.445C>T (p.Arg149Cys)

Gene: DYNC2I1 (dynein 2 intermediate chain 1; plus strand). Cytogenetic location: 7q36.3.
Variant type: single nucleotide variant.
Coding change: c.445C>T on transcript NM_018051.5 (MANE Select); coding-DNA position 445, C replaced by T.
Protein change: p.Arg149Cys; replaces arginine 149 with cysteine.
Molecular consequence: missense variant. On other transcripts: 5 prime UTR variant (4).
Genome position (GRCh38, 1-based): chr7:158,871,517, C>T. VCF-style: chr7-158871517-C-T. GRCh37 (hg19) VCF-style: chr7-158664208-C-T.
Other names: c.307C>T, p.Arg103Cys (NM_001350914.2); c.-73C>T (NM_001350915.2); c.-914C>T (NM_001350916.2); c.-922C>T (NM_001350917.2); c.-1041C>T (NM_001350918.2); short protein forms R149C, R103C.
Identifiers: ClinVar variation 541522 (VCV000541522.9), dbSNP rs545206396, ClinGen allele CA170044971.